The following is an entry in ClinVar:

ClinVar aggregate classification (germline): Uncertain significance. Review status: criteria provided, multiple submitters, no conflicts (2 of 4 stars). 3 submissions from 3 submitters: Uncertain significance (3). Last evaluated 2025-05-06.

gnomAD v4.1: 97 of 1,613,542 alleles (0.006%); highest among the groups gnomAD compares: Admixed American, 0.087%; no homozygotes.

Submissions (3):

Women's Health and Genetics/Laboratory Corporation of America, LabCorp
Classification: Uncertain significance. Last evaluated: 2025-05-06. Review status: criteria provided, single submitter. Criteria: LabCorp Variant Classification Summary - May 2015. Collection method: clinical testing. Allele origin: germline.
Comment: Variant summary: VWF c.5875G>A (p.Val1959Met) results in a conservative amino acid change in the encoded protein sequence. Algorithms developed to predict the effect of missense changes on protein structure and function are either unavailable or do not agree on the potential impact of this missense change. The variant allele was found at a frequency of 0.00012 in 250634 control chromosomes. This frequency is not significantly higher than estimated for a pathogenic variant in VWF causing Von Willebrand Disease, allowing no conclusion about variant significance. To our knowledge, no occurrence of c.5875G>A in individuals affected with Von Willebrand Disease and no experimental evidence demonstrating its impact on protein function have been reported. ClinVar contains an entry for this variant (Variation ID: 3572178). Based on the evidence outlined above, the variant was classified as uncertain significance.

Mayo Clinic Laboratories, Mayo Clinic
Classification: Uncertain significance. Last evaluated: 2025-01-13. Review status: criteria provided, single submitter. Criteria: ACMG Guidelines, 2015. Collection method: clinical testing. Allele origin: germline. Observed: 1 variant allele.

Quest Diagnostics Nichols Institute San Juan Capistrano
Classification: Uncertain significance. Last evaluated: 2024-09-29. Review status: criteria provided, single submitter. Criteria: Quest Diagnostics criteria. Collection method: clinical testing. Allele origin: unknown.
Comment: The VWF c.5875G>A (p.Val1959Met) variant has not been reported in individuals with VWF-related conditions in the published literature. The frequency of this variant in the general population, 0.0005 (5/10046 chromosomes (Genome Aggregation Database)), is uninformative in the assessment of its pathogenicity. Analysis of this variant using bioinformatics tools for the prediction of the effect of amino acid changes on protein structure and function yielded conflicting predictions that this variant is benign or damaging. Based on the available information, we are unable to determine the clinical significance of this variant.

Literature cited by the submitters: PubMed 22197721 (cited by Mayo Clinic Laboratories, Mayo Clinic and Quest Diagnostics Nichols Institute San Juan Capistrano).

NM_000552.5(VWF):c.5875G>A (p.Val1959Met)

Gene: VWF (von Willebrand factor; minus strand). Cytogenetic location: 12p13.31.
Variant type: single nucleotide variant.
Coding change: c.5875G>A on transcript NM_000552.5 (MANE Select); coding-DNA position 5875, G replaced by A.
Protein change: p.Val1959Met; replaces valine 1959 with methionine.
Molecular consequence: missense variant.
Genome position (GRCh38, 1-based): chr12:5,996,190, C>T on the plus strand (G>A on the coding strand, the complement: VWF is on the minus strand). VCF-style: chr12-5996190-C-T. GRCh37 (hg19) VCF-style: chr12-6105356-C-T.
Other names: p.Val1959Met; short protein forms V1959M.
Identifiers: ClinVar variation 3572178 (VCV003572178.3).